The following is an entry in ClinVar:

NM_001206744.2(TPO):c.1277C>G (p.Ala426Gly)

Gene: TPO (thyroid peroxidase; plus strand). Cytogenetic location: 2p25.3.
Variant type: single nucleotide variant.
Coding change: c.1277C>G on transcript NM_001206744.2 (MANE Select); coding-DNA position 1277, C replaced by G.
Protein change: p.Ala426Gly; replaces alanine 426 with glycine.
Molecular consequence: missense variant. On other transcripts: intron variant (1).
Genome position (GRCh38, 1-based): chr2:1,477,543, C>G. VCF-style: chr2-1477543-C-G. GRCh37 (hg19) VCF-style: chr2-1481315-C-G.
Other names: c.1277C>G, p.Ala426Gly (NM_000547.6, NM_001206745.2, NM_175719.4 and 1 more transcripts); c.820-7053C>G (NM_175722.3); short protein forms A426G.
Identifiers: ClinVar variation 769558 (VCV000769558.14), dbSNP rs61758082, ClinGen allele CA1511688.
Genomic context (GRCh38, chr2:1,477,543, plus strand): 5'-TGCACACGCTGTGGCTGCGCGAGCACAACCGCCTGGCCGCGGCGCTCAAGGCCCTCAATG[C>G]GCACTGGAGCGCGGACGCCGTGTACCAGGAGGCGCGCAAGGTCGTGGGCGCTCTGCACCA-3'
Protein context (NP_001193673.1, residues 416-436): RLAAALKALN[Ala426Gly]HWSADAVYQE

ClinVar aggregate classification (germline): Benign/Likely benign. Review status: criteria provided, multiple submitters, no conflicts (2 of 4 stars). 4 submissions from 4 submitters: Benign (2); Likely benign (2). Last evaluated 2026-07-01.

Conditions:
Deficiency of iodide peroxidase (TDH2A). Also called: Thyroid dyshormonogenesis 2A; HYPOTHYROIDISM, CONGENITAL, DUE TO DYSHORMONOGENESIS, 2A; IODIDE PEROXIDASE DEFICIENCY; THYROID HORMONOGENESIS, GENETIC DEFECT IN, 2A; THYROID PEROXIDASE DEFICIENCY. Identifiers: Orphanet 95716, MedGen C1291299, MONDO:0010133, OMIM 274500.

Allele frequency attached by ClinVar (database versions not stated): ESP Exome Variant Server 0.00487; TOPMed 0.01035; 1000 Genomes Project 0.01198; 1000 Genomes Project 30x 0.01312.
gnomAD v4.1: 3,145 of 1,535,342 alleles (0.2%); highest among the groups gnomAD compares: African/African-American, 3.5%; 60 homozygotes.

Submissions (4):

CeGaT Center for Human Genetics Tuebingen
Classification: Benign. Last evaluated: 2026-07-01. Review status: criteria provided, single submitter. Criteria: CeGaT Center For Human Genetics Tuebingen Variant Classification Criteria Version 2. Collection method: clinical testing. Allele origin: germline. Affected: yes. Observed: 1 variant allele.
Comment: TPO: BS1, BS2

Labcorp Genetics (formerly Invitae), Labcorp
Classification: Benign. Last evaluated: 2026-01-28. Review status: criteria provided, single submitter. Criteria: Invitae Variant Classification Sherloc (09022015). Collection method: clinical testing. Allele origin: germline.

Illumina Laboratory Services, Illumina
Classification: Likely benign for Deficiency of iodide peroxidase. Last evaluated: 2017-04-28. Review status: criteria provided, single submitter. Criteria: ICSL Variant Classification Criteria 13 December 2019. Collection method: clinical testing. Allele origin: germline.
Comment: This variant was observed as part of a predisposition screen in an ostensibly healthy population. A literature search was performed for the gene, cDNA change, and amino acid change (where applicable). No publications were found based on this search. Allele frequency data from public databases allowed determination this variant is unlikely to cause disease. Therefore, this variant is classified as likely benign.

Breakthrough Genomics
Classification: Likely benign. Review status: criteria provided, single submitter. Criteria: ACMG Guidelines, 2015. Collection method: not provided. Allele origin: germline. Inheritance: Autosomal recessive inheritance. Affected: yes.